The following is an entry in ClinVar:

ClinVar aggregate classification (germline): Uncertain significance (1 of 4 stars; one submission).

Conditions:
Hypertrophic cardiomyopathy. Also called: HYPERTROPHIC MYOCARDIOPATHY. Identifiers: Orphanet 217569, MedGen C0007194, MeSH D002312, MONDO:0005045, HP:0001639.

Submission:

Labcorp Genetics (formerly Invitae), Labcorp
Classification: Uncertain significance for Hypertrophic cardiomyopathy. Last evaluated: 2023-04-14. Review status: criteria provided, single submitter. Criteria: Invitae Variant Classification Sherloc (09022015). Collection method: clinical testing. Allele origin: germline.
Comment: In summary, the available evidence is currently insufficient to determine the role of this variant in disease. Therefore, it has been classified as a Variant of Uncertain Significance. Advanced modeling of protein sequence and biophysical properties (such as structural, functional, and spatial information, amino acid conservation, physicochemical variation, residue mobility, and thermodynamic stability) performed at Invitae indicates that this missense variant is expected to disrupt MYH7 protein function. This variant has not been reported in the literature in individuals affected with MYH7-related conditions. This variant is not present in population databases (gnomAD no frequency). This sequence change replaces isoleucine, which is neutral and non-polar, with leucine, which is neutral and non-polar, at codon 704 of the MYH7 protein (p.Ile704Leu).

NM_000257.4(MYH7):c.2110A>C (p.Ile704Leu)

Gene: MYH7 (myosin heavy chain 7; minus strand). Cytogenetic location: 14q11.2.
Variant type: single nucleotide variant.
Coding change: c.2110A>C on transcript NM_000257.4 (MANE Select); coding-DNA position 2110, A replaced by C.
Protein change: p.Ile704Leu; replaces isoleucine 704 with leucine.
Molecular consequence: missense variant.
Genome position (GRCh38, 1-based): chr14:23,426,016, T>G on the plus strand (A>C on the coding strand, the complement: MYH7 is on the minus strand). VCF-style: chr14-23426016-T-G. GRCh37 (hg19) VCF-style: chr14-23895225-T-G.
Other names: c.2110A>C, p.Ile704Leu (NM_001407004.1); short protein forms I704L.
Identifiers: ClinVar variation 2856146 (VCV002856146.3), dbSNP rs730880893, ClinGen allele CA389049111.